The following is an entry in ClinVar:

NM_019066.5(MAGEL2):c.223C>T (p.Pro75Ser)

Gene: MAGEL2 (MAGE family member L2; minus strand). Cytogenetic location: 15q11.2.
Variant type: single nucleotide variant.
Coding change: c.223C>T on transcript NM_019066.5 (MANE Select); coding-DNA position 223, C replaced by T.
Protein change: p.Pro75Ser; replaces proline 75 with serine.
Molecular consequence: missense variant.
Genome position (GRCh38, 1-based): chr15:23,647,520, G>A on the plus strand (C>T on the coding strand, the complement: MAGEL2 is on the minus strand). VCF-style: chr15-23647520-G-A. GRCh37 (hg19) VCF-style: chr15-23892667-G-A.
Other names: short protein forms P75S.
Identifiers: ClinVar variation 4528151 (VCV004528151.1).

ClinVar aggregate classification (germline): Uncertain significance (1 of 4 stars; one submission).

gnomAD v4.1: 1 of 1,531,432 alleles (0.000065%); highest among the groups gnomAD compares: African/African-American, 0.0014%; no homozygotes.

Submission:

GeneDx
Classification: Uncertain significance. Last evaluated: 2025-05-07. Review status: criteria provided, single submitter. Criteria: GeneDx Variant Classification Process June 2021. Collection method: clinical testing. Allele origin: germline. Affected: yes.
Comment: Not observed at significant frequency in large population cohorts (gnomAD); In silico analysis suggests that this missense variant does not alter protein structure/function; Has not been previously published as pathogenic or benign to our knowledge